The following is an entry in ClinVar:

ClinVar aggregate classification (germline): Uncertain significance (1 of 4 stars; one submission).

Allele frequency attached by ClinVar (database versions not stated): gnomAD exomes below 0.00001; TOPMed below 0.00001.
gnomAD v4.1: 1 of 1,559,738 alleles (0.000064%); highest among the groups gnomAD compares: Non-Finnish European, 0.000087%; no homozygotes.

Submission:

Labcorp Genetics (formerly Invitae), Labcorp
Classification: Uncertain significance. Last evaluated: 2022-01-27. Review status: criteria provided, single submitter. Criteria: Invitae Variant Classification Sherloc (09022015). Collection method: clinical testing. Allele origin: germline.
Comment: In summary, the available evidence is currently insufficient to determine the role of this variant in disease. Therefore, it has been classified as a Variant of Uncertain Significance. Algorithms developed to predict the effect of missense changes on protein structure and function (SIFT, PolyPhen-2, Align-GVGD) all suggest that this variant is likely to be tolerated. This variant has not been reported in the literature in individuals affected with RIMS1-related conditions. This variant is not present in population databases (gnomAD no frequency). This sequence change replaces arginine, which is basic and polar, with lysine, which is basic and polar, at codon 1251 of the RIMS1 protein (p.Arg1251Lys).

NM_014989.7(RIMS1):c.3752G>A (p.Arg1251Lys)

Gene: RIMS1 (regulating synaptic membrane exocytosis 1; plus strand). Cytogenetic location: 6q13.
Variant type: single nucleotide variant.
Coding change: c.3752G>A on transcript NM_014989.7 (MANE Select); coding-DNA position 3752, G replaced by A.
Protein change: p.Arg1251Lys; replaces arginine 1251 with lysine.
Molecular consequence: missense variant.
Genome position (GRCh38, 1-based): chr6:72,291,948, G>A. VCF-style: chr6-72291948-G-A. GRCh37 (hg19) VCF-style: chr6-73001651-G-A.
Other names: c.1487G>A, p.Arg496Lys (NM_001350419.2, NM_001350423.2, NM_001350444.2); c.1826G>A, p.Arg609Lys (NM_001350420.2); c.1571G>A, p.Arg524Lys (NM_001350421.2, NM_001350450.2); c.1712G>A, p.Arg571Lys (NM_001350422.2, NM_001168407.2); c.1574G>A, p.Arg525Lys (NM_001350424.2, NM_001350459.2); c.1640G>A, p.Arg547Lys (NM_001350425.2, NM_001350427.2, NM_001350441.2 and 1 more transcripts); c.1562G>A, p.Arg521Lys (NM_001350426.2, NM_001350460.2); c.1646G>A, p.Arg549Lys (NM_001350428.2); and 31 more; short protein forms R1251K, R415K, R497K, R518K, R525K, R532K, R541K, R554K.
Identifiers: ClinVar variation 2090436 (VCV002090436.4), dbSNP rs964538616, ClinGen allele CA140897732.